The following is an entry in ClinVar:

ClinVar aggregate classification (germline): Uncertain significance (0 of 4 stars; one submission).

Allele frequency attached by ClinVar (database versions not stated): gnomAD exomes below 0.00001; gnomAD 0.00003 and 0.00005; TOPMed 0.00005.
gnomAD v4.1: 9 of 1,614,000 alleles (0.00056%); highest among the groups gnomAD compares: African/African-American, 0.012%; no homozygotes.

Submission:

Department of Pathology and Laboratory Medicine, Sinai Health System
Classification: Uncertain significance. Review status: no assertion criteria provided. Collection method: clinical testing. Allele origin: unknown. Affected: yes. Study: The Canadian Open Genetics Repository (COGR).
Comment: The DDX58 p.Asn389Ser variant was not identified in the literature nor was it identified in ClinVar, Cosmic, or LOVD 3.0. The variant was identified in dbSNP (ID: rs888856438) but was not found in the following control databases: the 1000 Genomes Project, the NHLBI GO Exome Sequencing Project, the Exome Aggregation Consortium (August 8th 2016), or the Genome Aggregation Database (Feb 27, 2017). The p.Asn389 residue is not conserved in mammals and computational analyses (PolyPhen-2, SIFT, AlignGVGD, BLOSUM, MutationTaster) do not suggest a high likelihood of impact to the protein; however, this information is not predictive enough to rule out pathogenicity. The variant occurs outside of the splicing consensus sequence however 3 of 4 in silico or computational prediction software programs (SpliceSiteFinder, MaxEntScan, NNSPLICE) predicts a greater than 10% difference in splicingy. In summary, based on the above information the clinical significance of this variant cannot be determined with certainty at this time. This variant is classified as a variant of uncertain significance.

NM_014314.4(RIGI):c.1166A>G (p.Asn389Ser)

Gene: RIGI (RNA sensor RIG-I; minus strand). Cytogenetic location: 9p21.1.
Variant type: single nucleotide variant.
Coding change: c.1166A>G on transcript NM_014314.4 (MANE Select); coding-DNA position 1166, A replaced by G.
Protein change: p.Asn389Ser; replaces asparagine 389 with serine.
Molecular consequence: missense variant.
Genome position (GRCh38, 1-based): chr9:32,487,991, T>C on the plus strand (A>G on the coding strand, the complement: RIGI is on the minus strand). VCF-style: chr9-32487991-T-C. GRCh37 (hg19) VCF-style: chr9-32487989-T-C.
Other names: c.1160A>G, p.Asn387Ser (NM_001385907.1); c.1166A>G, p.Asn389Ser (NM_001385909.1); c.725A>G, p.Asn242Ser (NM_001385910.1); c.557A>G, p.Asn186Ser (NM_001385912.1); c.1151A>G, p.Asn384Ser (NM_001385913.1); c.722A>G, p.Asn241Ser (NM_001385914.1); short protein forms N186S, N241S, N242S, N384S, N387S, N389S.
Identifiers: ClinVar variation 1048852 (VCV001048852.2), dbSNP rs888856438, ClinGen allele CA192379818.
Genomic context (GRCh38, chr9:32,487,991, plus strand): 5'-GACTTTGGAGATACCTGGGGCAGTGGGCCTGAAGATCCTCCAAGTTTCTGATCTAGATAA[T>C]TAAACATGATCATATTGTACGGGTGTTGTTTACTAGTGTTGTGGCATTCATCAAATATCA-3'
Protein context (NP_055129.2, residues 379-399): KQHPYNMIMF[Asn389Ser]YLDQKLGGSS